The following is an entry in ClinVar:

NM_182914.3(SYNE2):c.14966A>G (p.Asn4989Ser)

Gene: SYNE2 (spectrin repeat containing nuclear envelope protein 2; plus strand). Cytogenetic location: 14q23.2.
Variant type: single nucleotide variant.
Coding change: c.14966A>G on transcript NM_182914.3 (MANE Select); coding-DNA position 14966, A replaced by G.
Protein change: p.Asn4989Ser; replaces asparagine 4989 with serine.
Molecular consequence: missense variant.
Genome position (GRCh38, 1-based): chr14:64,140,063, A>G. VCF-style: chr14-64140063-A-G. GRCh37 (hg19) VCF-style: chr14-64606781-A-G.
Other names: c.14966A>G (NM_182914.2); c.14966A>G, p.Asn4989Ser (NM_015180.6); short protein forms N4989S.
Identifiers: ClinVar variation 2048616 (VCV002048616.5), dbSNP rs202029221, ClinGen allele CA7222924.

ClinVar aggregate classification (germline): Uncertain significance. Review status: criteria provided, multiple submitters, no conflicts (2 of 4 stars). 2 submissions from 2 submitters: Uncertain significance (2). Last evaluated 2025-01-23.

Conditions:
Emery-Dreifuss muscular dystrophy 5, autosomal dominant (EDMD5). Also called: EMERY-DREIFUSS MUSCULAR DYSTROPHY 5. Identifiers: Orphanet 261, MedGen C2751805, MONDO:0013072, OMIM 612999.

Allele frequency attached by ClinVar (database versions not stated): gnomAD 0.00001; gnomAD exomes 0.00001; TOPMed 0.00001; ExAC 0.00003.
gnomAD v4.1: 22 of 1,613,538 alleles (0.0014%); highest among the groups gnomAD compares: Middle Eastern, 0.016%; no homozygotes.

Submissions (2):

Ambry Genetics
Classification: Uncertain significance. Last evaluated: 2025-01-23. Review status: criteria provided, single submitter. Criteria: Ambry Variant Classification Scheme 2023. Collection method: clinical testing. Allele origin: germline.

Labcorp Genetics (formerly Invitae), Labcorp
Classification: Uncertain significance for Emery-Dreifuss muscular dystrophy 5, autosomal dominant. Last evaluated: 2024-10-21. Review status: criteria provided, single submitter. Criteria: Invitae Variant Classification Sherloc (09022015). Collection method: clinical testing. Allele origin: germline.
Comment: This sequence change replaces asparagine, which is neutral and polar, with serine, which is neutral and polar, at codon 4989 of the SYNE2 protein (p.Asn4989Ser). This variant is present in population databases (rs202029221, gnomAD 0.009%). This variant has not been reported in the literature in individuals affected with SYNE2-related conditions. ClinVar contains an entry for this variant (Variation ID: 2048616). An algorithm developed to predict the effect of missense changes on protein structure and function outputs the following: PolyPhen-2: "Benign". The serine amino acid residue is found in multiple mammalian species, which suggests that this missense change does not adversely affect protein function. In summary, the available evidence is currently insufficient to determine the role of this variant in disease. Therefore, it has been classified as a Variant of Uncertain Significance.